The following is an entry in ClinVar:

ClinVar aggregate classification (germline): Conflicting classifications of pathogenicity. Review status: criteria provided, conflicting classifications (1 of 4 stars). 4 submissions from 4 submitters: Pathogenic (1); Likely pathogenic (1); Uncertain significance (1). 1 of the submissions does not count toward it. Last evaluated 2026-02-22.

Conditions:
Stiff skin syndrome (SSKS). Identifiers: Orphanet 2833, MedGen C1861456, MONDO:0008492, OMIM 184900.
Weill-Marchesani syndrome 2, dominant. Also called: Weill-Marchesani Syndrome, Autosomal Dominant; FBN1-Related Weill-Marchesani Syndrome. Identifiers: Orphanet 2084, MedGen C1869115, MONDO:0012013, OMIM 608328.
Marfan syndrome (MFS). Also called: FBN1-Related Marfan Syndrome; Marfan syndrome, classic; MARFAN SYNDROME, TYPE I; Marfan syndrome type 1; Marfan's syndrome. Identifiers: Orphanet 284963, Orphanet 558, MedGen C0024796, MONDO:0007947, OMIM 154700.

Submissions (4):

GeneDx
Classification: Uncertain significance. Last evaluated: 2026-02-22. Review status: criteria provided, single submitter. Criteria: GeneDx Variant Classification Process June 2021. Collection method: clinical testing. Allele origin: germline.
Comment: Reported in the published literature in a proband stiff skin syndrome and ectopia lentis (PMID: 20375004); In silico analysis supports that this missense variant has a deleterious effect on protein structure/function; Does not affect a cysteine or calcium-binding residue within an EGF-like domain or a TGF-binding protein domain of the FBN1 gene; cysteine substitutions in the EGF-like domains represent the majority of pathogenic missense changes associated with FBN1-related disorders (PMID: 12938084); Not observed at significant frequency in large population cohorts (gnomAD); This variant is associated with the following publications: (PMID: 12938084, 37734846, 24793577, 20375004)

Laboratory of Molecular and Physiopathological Bases of Osteochondrodysplasia, Imagine Institute
Classification: Pathogenic for Weill-Marchesani syndrome 2, dominant. Last evaluated: 2023-06-29. Review status: criteria provided, single submitter. Criteria: ACMG Guidelines, 2015. Collection method: clinical testing. Allele origin: unknown. Affected: yes. Observed: 2 variant alleles.

Laboratory for Molecular Medicine, Mass General Brigham Personalized Medicine
Classification: Likely pathogenic for Marfan syndrome. Last evaluated: 2009-06-01. Review status: criteria provided, single submitter. Criteria: LMM Criteria. Collection method: clinical testing. Allele origin: germline. Observed: 2 variant alleles.

OMIM
Classification: Pathogenic for STIFF SKIN SYNDROME. Last evaluated: 2001-11-12. Review status: no assertion criteria provided. Collection method: literature only. Allele origin: germline. Not counted in ClinVar's aggregate classification.

Literature cited by the submitters: PubMed 11700157 (cited by OMIM); PubMed 1852208 (cited by OMIM).

NM_000138.5(FBN1):c.4781G>A (p.Gly1594Asp)

Gene: FBN1 (fibrillin 1; minus strand). Cytogenetic location: 15q21.1.
Variant type: single nucleotide variant.
Coding change: c.4781G>A on transcript NM_000138.5 (MANE Select); coding-DNA position 4781, G replaced by A.
Protein change: p.Gly1594Asp; replaces glycine 1594 with aspartic acid.
Molecular consequence: missense variant.
Genome position (GRCh38, 1-based): chr15:48,465,825, C>T on the plus strand (G>A on the coding strand, the complement: FBN1 is on the minus strand). VCF-style: chr15-48465825-C-T. GRCh37 (hg19) VCF-style: chr15-48758022-C-T.
Other names: short protein forms G1594D.
Identifiers: ClinVar variation 42371 (VCV000042371.6), dbSNP rs267606798, ClinGen allele CA015420.
Genomic context (GRCh38, chr15:48,465,825, plus strand): 5'-TTTAAGACAAAGGAAACACAATTACCTTCCAATATAACGGTGATAGGATTTGGTCGGAAA[C>T]CTTCCCCTCCAGGACAAAGAATTTTGTACTCGGCTATTGAAACAAAAATTCAAATTGAGT-3'
Protein context (NP_000129.3, residues 1584-1604): EYKILCPGGE[Gly1594Asp]FRPNPITVIL